The following is an entry in ClinVar:

NM_000059.4(BRCA2):c.826G>T (p.Val276Leu)

Gene: BRCA2 (BRCA2 DNA repair associated; plus strand). Cytogenetic location: 13q13.1.
Variant type: single nucleotide variant.
Coding change: c.826G>T on transcript NM_000059.4 (MANE Select); coding-DNA position 826, G replaced by T.
Protein change: p.Val276Leu; replaces valine 276 with leucine.
Molecular consequence: missense variant.
Genome position (GRCh38, 1-based): chr13:32,332,304, G>T. VCF-style: chr13-32332304-G-T. GRCh37 (hg19) VCF-style: chr13-32906441-G-T.
Other names: c.826G>T (NM_000059.3); short protein forms V276L.
Identifiers: ClinVar variation 1371745 (VCV001371745.9), dbSNP rs1485423178, ClinGen allele CA387760445.
Genomic context (GRCh38, chr13:32,332,304, plus strand): 5'-AATGTGCTTCTGTTTTATACTTTAACAGGATTTGGAAAAACATCAGGGAATTCATTTAAA[G>T]TAAATAGCTGCAAAGACCACATTGGAAAGTCAATGCCAAATGTCCTAGAAGATGAAGTAT-3'
Protein context (NP_000050.3, residues 266-286): FGKTSGNSFK[Val276Leu]NSCKDHIGKS

ClinVar aggregate classification (germline): Conflicting classifications of pathogenicity. Review status: criteria provided, conflicting classifications (1 of 4 stars). 4 submissions from 4 submitters: Uncertain significance (3); Likely benign (1). Last evaluated 2025-06-18.

Conditions:
Hereditary cancer-predisposing syndrome. Also called: Neoplastic Syndromes, Hereditary; Tumor predisposition; Hereditary neoplastic syndrome; Hereditary Cancer Syndrome. Identifiers: Orphanet 140162, MedGen C0027672, MeSH D009386, MONDO:0015356.
Hereditary breast ovarian cancer syndrome. Also called: BRCA1- and BRCA2-Associated Hereditary Breast and Ovarian Cancer; Hereditary breast and ovarian cancer; Hereditary breast and ovarian cancer syndrome; Hereditary breast and/or ovarian cancer syndrome; Hereditary breast and ovarian cancer syndrome (HBOC); Breast and ovarian cancer. Identifiers: Orphanet 145, MedGen C0677776, MeSH D061325, MONDO:0003582. Disease mechanism: loss of function.

Submissions (4):

Color Diagnostics, LLC DBA Color Health
Classification: Uncertain significance for Hereditary cancer-predisposing syndrome. Last evaluated: 2025-06-18. Review status: criteria provided, single submitter. Criteria: ACMG Guidelines, 2015. Collection method: clinical testing. Allele origin: germline.
Comment: This missense variant replaces valine with leucine at codon 276 of the BRCA2 protein. Computational prediction suggests that this variant may not impact protein structure and function. To our knowledge, functional studies have not been reported for this variant. This variant has not been reported in individuals affected with BRCA2-related disorders in the literature. This variant has not been identified in the general population by the Genome Aggregation Database (gnomAD). The available evidence is insufficient to determine the role of this variant in disease conclusively. Therefore, this variant is classified as a Variant of Uncertain Significance.

GeneDx
Classification: Uncertain significance. Last evaluated: 2025-03-20. Review status: criteria provided, single submitter. Criteria: GeneDx Variant Classification Process June 2021. Collection method: clinical testing. Allele origin: germline. Affected: yes.
Comment: Not observed at significant frequency in large population cohorts (gnomAD); In silico analysis indicates that this missense variant does not alter protein structure/function; Has not been previously published as pathogenic or benign to our knowledge; Also known as 1054G>T

University of Washington Department of Laboratory Medicine, University of Washington
Classification: Likely benign for Hereditary cancer-predisposing syndrome. Last evaluated: 2023-03-23. Review status: criteria provided, single submitter. Criteria: Dines et al. (Genet Med. 2020). Collection method: curation. Allele origin: germline.
Comment: Missense variant in a coldspot region where missense variants are very unlikely to be pathogenic (PMID:31911673).

BRCA2 exon 10 coldspot. Reclassification based on statistical prior probability.

Labcorp Genetics (formerly Invitae), Labcorp
Classification: Uncertain significance for Hereditary breast ovarian cancer syndrome. Last evaluated: 2021-08-02. Review status: criteria provided, single submitter. Criteria: Invitae Variant Classification Sherloc (09022015). Collection method: clinical testing. Allele origin: germline.
Comment: Advanced modeling of protein sequence and biophysical properties (such as structural, functional, and spatial information, amino acid conservation, physicochemical variation, residue mobility, and thermodynamic stability) performed at Invitae indicates that this missense variant is not expected to disrupt BRCA2 protein function. This variant has not been reported in the literature in individuals affected with BRCA2-related conditions. This variant is not present in population databases (ExAC no frequency). In summary, the available evidence is currently insufficient to determine the role of this variant in disease. Therefore, it has been classified as a Variant of Uncertain Significance. This sequence change replaces valine with leucine at codon 276 of the BRCA2 protein (p.Val276Leu). The valine residue is weakly conserved and there is a small physicochemical difference between valine and leucine.